The following is an entry in ClinVar:

NM_000059.4(BRCA2):c.5240_5241insTA (p.Ser1748fs)

Gene: BRCA2 (BRCA2 DNA repair associated; plus strand). Cytogenetic location: 13q13.1.
Variant type: Insertion.
Coding change: c.5240_5241insTA on transcript NM_000059.4 (MANE Select); coding-DNA positions 5240 to 5241, TA inserted.
Protein change: p.Ser1748fs; shifts the reading frame from serine 1748.
Molecular consequence: frameshift variant.
Genome position: GRCh38 VCF-style: chr13-32339594-A-AAT. GRCh37 (hg19) VCF-style: chr13-32913731-A-AAT.
Other names: short protein forms S1748fs.
Identifiers: ClinVar variation 548382 (VCV000548382.1), dbSNP rs1555284129, ClinGen allele CA658823643.
Genomic context (GRCh38, chr13:32,339,594, plus strand): 5'-AATGACAAAAATCATCTCTCCGAAAAACAAGATACTTATTTAAGTAACAGTAGCATGTCT[A>AAT]ACAGCTATTCCTACCATTCTGATGAGGTATATAATGATTCAGGATATCTCTCAAAAAATA-3'

ClinVar aggregate classification (germline): Pathogenic (3 of 4 stars; one submission).

Conditions:
Breast-ovarian cancer, familial, susceptibility to, 2 (BROVCA2). Also called: BRCA2 Hereditary Breast and Ovarian Cancer. Identifiers: Orphanet 145, MedGen C2675520, MONDO:0012933, OMIM 612555. Disease mechanism: loss of function.

Submission:

Evidence-based Network for the Interpretation of Germline Mutant Alleles (ENIGMA)
Classification: Pathogenic for Breast-ovarian cancer, familial, susceptibility to, 2. Last evaluated: 2017-12-15. Review status: reviewed by expert panel. Criteria: ENIGMA BRCA1/2 Classification Criteria (2017-06-29). Collection method: curation. Allele origin: germline. Study: ENIGMA.
Comment: Variant allele predicted to encode a truncated non-functional protein.